The following is an entry in ClinVar:

NM_181303.2(NLGN3):c.-5G>A

Gene: NLGN3 (neuroligin 3; plus strand). Cytogenetic location: Xq13.1.
Variant type: single nucleotide variant.
Coding change: c.-5G>A on transcript NM_181303.2 (MANE Select); 5 bases upstream of the start codon, G replaced by A.
Molecular consequence: 5 prime UTR variant. On other transcripts: intron variant (1).
Genome position (GRCh38, 1-based): chrX:71,147,745, G>A. VCF-style: chrX-71147745-G-A. GRCh37 (hg19) VCF-style: chrX-70367595-G-A.
Other names: c.-5G>A (NM_001166660.2, NM_018977.4); c.-38-318G>A (NM_001321276.2).
Identifiers: ClinVar variation 588054 (VCV000588054.5), dbSNP rs752272796, ClinGen allele CA10444959.

ClinVar aggregate classification (germline): Uncertain significance (1 of 4 stars; one submission).

Conditions:
Inborn genetic diseases. Identifiers: MedGen C0950123, MeSH D030342.

Allele frequency attached by ClinVar (database versions not stated): gnomAD 0.00001; gnomAD exomes 0.00002; TOPMed 0.00002; ExAC 0.00006.
gnomAD v4.1: 13 of 1,203,276 alleles (0.0011%); highest among the groups gnomAD compares: South Asian, 0.013%; no homozygotes.

Submission:

Ambry Genetics
Classification: Uncertain significance for Inborn genetic diseases. Last evaluated: 2016-08-16. Review status: criteria provided, single submitter. Criteria: Ambry Variant Classification Scheme 2023. Collection method: clinical testing. Allele origin: germline.
Comment: The c.-5G>A variant is located in the 5' untranslated region (5&rsquo; UTR) of the NLGN3 gene. This variant results from a G to A substitution 5 bases upstream from the first translated codon. This variant was not reported in population based cohorts in the following databases: Database of Single Nucleotide Polymorphisms (dbSNP), NHLBI Exome Sequencing Project (ESP), and 1000 Genomes Project. In the ESP, this variant was not observed in 6436 samples with coverage at this position. This nucleotide position is not well conserved in available vertebrate species. Since supporting evidence is limited at this time, the clinical significance of this alteration remains unclear.